The following is an entry in ClinVar:

ClinVar aggregate classification (germline): Uncertain significance (1 of 4 stars; one submission).

Submission:

Women's Health and Genetics/Laboratory Corporation of America, LabCorp
Classification: Uncertain significance. Last evaluated: 2023-06-13. Review status: criteria provided, single submitter. Criteria: LabCorp Variant Classification Summary - May 2015. Collection method: clinical testing. Allele origin: germline.
Comment: Variant summary: PTPRQ c.563T>C (p.Val188Ala) results in a non-conservative amino acid change in the encoded protein sequence. Three of four in-silico tools predict a damaging effect of the variant on protein function. The variant was absent in 151798 control chromosomes. The available data on variant occurrences in the general population are insufficient to allow any conclusion about variant significance. To our knowledge, no occurrence of c.563T>C in individuals affected with Autosomal Recessive Nonsyndromic Hearing Loss 84A and no experimental evidence demonstrating its impact on protein function have been reported. No clinical diagnostic laboratories have submitted clinical-significance assessments for this variant to ClinVar after 2014. Based on the evidence outlined above, the variant was classified as uncertain significance.

NM_001145026.2(PTPRQ):c.563T>C (p.Phe188Ser)

Gene: PTPRQ (protein tyrosine phosphatase receptor type Q; plus strand). Cytogenetic location: 12q21.31.
Variant type: single nucleotide variant.
Coding change: c.563T>C on transcript NM_001145026.2 (MANE Select); coding-DNA position 563, T replaced by C.
Protein change: p.Phe188Ser; replaces phenylalanine 188 with serine.
Molecular consequence: missense variant.
Genome position (GRCh38, 1-based): chr12:80,459,386, T>C. VCF-style: chr12-80459386-T-C. GRCh37 (hg19) VCF-style: chr12-80850791-A-G.
Other names: short protein forms F188S.
Identifiers: ClinVar variation 2573459 (VCV002573459.1), dbSNP rs2541527862, ClinGen allele CA385873582.
Genomic context (GRCh38, chr12:80,459,386, plus strand): 5'-CTTCAGCAGTTAAGCTGATTTGGTATTTACCTCGGCAACCAAATGGCAAAATTACCAGCT[T>C]CAAGATTAGTGTCAAGCATGCCAGAAGTGGGATAGTAGTGAAAGATGTCTCAATCAGAGT-3'
Protein context (NP_001138498.1, residues 178-198): PRQPNGKITS[Phe188Ser]KISVKHARSG